The following is an entry in ClinVar:

NM_006996.3(SLC19A2):c.584_585del (p.Leu195fs)

Gene: SLC19A2 (solute carrier family 19 member 2; minus strand). Cytogenetic location: 1q24.2.
Variant type: Deletion.
Coding change: c.584_585del on transcript NM_006996.3 (MANE Select); coding-DNA positions 584 to 585, 2 bases deleted (TT; older notation c.584_585delTT).
Protein change: p.Leu195fs; shifts the reading frame from leucine 195.
Molecular consequence: frameshift variant. On other transcripts: intron variant (1).
Genome position (GRCh38, 1-based): chr1:169,477,377-169,477,378, AA deleted on the plus strand (TT on the coding strand, the reverse complement: SLC19A2 is on the minus strand). VCF-style (leftmost placement, unchanged base first): chr1-169477376-TAA-T. GRCh37 (hg19) VCF-style: chr1-169446614-TAA-T.
Other names: c.205-7192_205-7191del (NM_001319667.1); short protein forms L195fs.
Identifiers: ClinVar variation 599229 (VCV000599229.3), dbSNP rs763099442, ClinGen allele CA1233044.

ClinVar aggregate classification (germline): Pathogenic. Review status: no assertion criteria provided (0 of 4 stars). 2 submissions from 1 submitter: Pathogenic (1). 1 of the submissions does not count toward it. Last evaluated 2011-07-22.

Conditions:
Megaloblastic anemia, thiamine-responsive, with diabetes mellitus and sensorineural deafness (TRMA). Also called: THIAMINE METABOLISM DYSFUNCTION SYNDROME 1 (MEGALOBLASTIC ANEMIA, DIABETES MELLITUS, AND DEAFNESS TYPE); Thiamine-Responsive Megaloblastic Anemia Syndrome; ROGERS SYNDROME; THIAMINE-RESPONSIVE ANEMIA SYNDROME; THIAMINE-RESPONSIVE MYELODYSPLASIA. Identifiers: Orphanet 49827, MedGen C0342287, MONDO:0009575, OMIM 249270.

Allele frequency attached by ClinVar (database versions not stated): gnomAD exomes below 0.00001; ExAC 0.00001.

Submissions (2):

Clinical Molecular Genetics Laboratory, Johns Hopkins All Children's Hospital
Classification: Pathogenic for Megaloblastic anemia, thiamine-responsive, with diabetes mellitus and sensorineural deafness. Last evaluated: 2011-07-22. Review status: no assertion criteria provided. Collection method: clinical testing. Allele origin: germline. Inheritance: Autosomal recessive inheritance. Affected: yes. Observed: 1 homozygote.

Clinical Molecular Genetics Laboratory, Johns Hopkins All Children's Hospital
Classification: Pathogenic for Megaloblastic anemia, thiamine-responsive, with diabetes mellitus and sensorineural deafness. Last evaluated: 2011-07-22. Review status: flagged submission. Collection method: clinical testing. Allele origin: germline. Affected: yes. Not counted in ClinVar's aggregate classification.
ClinVar note: Reason: This record appears to be redundant with a more recent record from the same submitter.
ClinVar note: Notes: SCV000920412 appears to be redundant with SCV000863571.